The following is an entry in ClinVar:

NM_172232.4(ABCA5):c.3393A>G (p.Leu1131=)

Gene: ABCA5 (ATP binding cassette subfamily A member 5; minus strand). Cytogenetic location: 17q24.3.
Variant type: single nucleotide variant.
Coding change: c.3393A>G on transcript NM_172232.4 (MANE Select); coding-DNA position 3393, A replaced by G.
Protein change: p.Leu1131=; no amino-acid change (leucine 1131 retained).
Molecular consequence: synonymous variant.
Genome position (GRCh38, 1-based): chr17:69,261,671, T>C on the plus strand (A>G on the coding strand, the complement: ABCA5 is on the minus strand). VCF-style: chr17-69261671-T-C. GRCh37 (hg19) VCF-style: chr17-67257812-T-C.
Other names: c.3393A>G, p.Leu1131= (NM_018672.5).
Identifiers: ClinVar variation 3057014 (VCV003057014.2), dbSNP rs75944132, ClinGen allele CA8737044.

ClinVar aggregate classification (germline): Benign (0 of 4 stars; one submission).

Conditions:
ABCA5-related disorder. Also called: ABCA5-related condition.

Allele frequency attached by ClinVar (database versions not stated): gnomAD exomes 0.00126; ExAC 0.01017; gnomAD 0.01559; ESP Exome Variant Server 0.01752; TOPMed 0.01815; 1000 Genomes Project 0.02117; 1000 Genomes Project 30x 0.02202.
gnomAD v4.1: 4,137 of 1,500,782 alleles (0.28%); highest among the groups gnomAD compares: African/African-American, 5.3%; 94 homozygotes.

Submission:

PreventionGenetics, part of Exact Sciences
Classification: Benign for ABCA5-related condition. Last evaluated: 2019-03-01. Review status: no assertion criteria provided. Collection method: clinical testing. Allele origin: germline.
Comment: This variant is classified as benign based on ACMG/AMP sequence variant interpretation guidelines (Richards et al. 2015 PMID: 25741868, with internal and published modifications).